The following is an entry in ClinVar:

NM_005228.5(EGFR):c.339C>G (p.Tyr113Ter)

Gene: EGFR (epidermal growth factor receptor; plus strand). Cytogenetic location: 7p11.2.
Variant type: single nucleotide variant.
Coding change: c.339C>G on transcript NM_005228.5 (MANE Select); coding-DNA position 339, C replaced by G.
Protein change: p.Tyr113Ter; replaces tyrosine 113 with a stop codon.
Molecular consequence: nonsense. On other transcripts: intron variant (1).
Genome position (GRCh38, 1-based): chr7:55,143,403, C>G. VCF-style: chr7-55143403-C-G. GRCh37 (hg19) VCF-style: chr7-55211096-C-G.
Other names: c.339C>G, p.Tyr113Ter (NM_001346897.2, NM_001346898.2, NM_001346899.2 and 3 more transcripts); c.180C>G, p.Tyr60Ter (NM_001346900.2); c.89-12427C>G (NM_001346941.2); short protein forms Y113*, Y60*.
Identifiers: ClinVar variation 3714966 (VCV003714966.2).

ClinVar aggregate classification (germline): Pathogenic (1 of 4 stars; one submission).

Conditions:
EGFR-related lung cancer (EGFR). Identifiers: MedGen CN130014.

gnomAD v4.1: 1 of 1,614,164 alleles (0.000062%); highest among the groups gnomAD compares: Non-Finnish European, 0.000085%; no homozygotes.

Submission:

Labcorp Genetics (formerly Invitae), Labcorp
Classification: Pathogenic for EGFR-related lung cancer. Last evaluated: 2024-07-01. Review status: criteria provided, single submitter. Criteria: Invitae Variant Classification Sherloc (09022015). Collection method: clinical testing. Allele origin: germline.
Comment: This sequence change creates a premature translational stop signal (p.Tyr113*) in the EGFR gene. It is expected to result in an absent or disrupted protein product. Loss-of-function variants in EGFR are known to be pathogenic (PMID: 7630400, 28726809, 29899996). This variant is not present in population databases (gnomAD no frequency). This variant has not been reported in the literature in individuals affected with EGFR-related conditions. Algorithms developed to predict the effect of sequence changes on RNA splicing suggest that this variant may disrupt the consensus splice site. For these reasons, this variant has been classified as Pathogenic.

Literature cited by the submitters: PubMed 7630400; PubMed 28726809; PubMed 29899996.